The following is an entry in ClinVar:

ClinVar aggregate classification (germline): Uncertain significance. Review status: criteria provided, multiple submitters, no conflicts (2 of 4 stars). 2 submissions from 2 submitters: Uncertain significance (2). Last evaluated 2025-05-05.

Submissions (2):

Ambry Genetics
Classification: Uncertain significance. Last evaluated: 2025-05-05. Review status: criteria provided, single submitter. Criteria: Ambry Variant Classification Scheme 2023. Collection method: clinical testing. Allele origin: germline.

Labcorp Genetics (formerly Invitae), Labcorp
Classification: Uncertain significance. Last evaluated: 2024-10-02. Review status: criteria provided, single submitter. Criteria: Invitae Variant Classification Sherloc (09022015). Collection method: clinical testing. Allele origin: germline.
Comment: This sequence change replaces aspartic acid, which is acidic and polar, with tyrosine, which is neutral and polar, at codon 231 of the TRIM28 protein (p.Asp231Tyr). This variant is not present in population databases (gnomAD no frequency). This variant has not been reported in the literature in individuals affected with TRIM28-related conditions. Experimental studies and prediction algorithms are not available or were not evaluated, and the functional significance of this variant is currently unknown. In summary, the available evidence is currently insufficient to determine the role of this variant in disease. Therefore, it has been classified as a Variant of Uncertain Significance.

NM_005762.3(TRIM28):c.691G>T (p.Asp231Tyr)

Gene: TRIM28 (tripartite motif containing 28; plus strand). Cytogenetic location: 19q13.43.
Variant type: single nucleotide variant.
Coding change: c.691G>T on transcript NM_005762.3 (MANE Select); coding-DNA position 691, G replaced by T.
Protein change: p.Asp231Tyr; replaces aspartic acid 231 with tyrosine.
Molecular consequence: missense variant.
Genome position (GRCh38, 1-based): chr19:58,547,480, G>T. VCF-style: chr19-58547480-G-T. GRCh37 (hg19) VCF-style: chr19-59058847-G-T.
Other names: c.691G>T (NM_005762.2); short protein forms D231Y.
Identifiers: ClinVar variation 3657041 (VCV003657041.3).